The following is an entry in ClinVar:

ClinVar aggregate classification (germline): Benign/Likely benign. Review status: criteria provided, multiple submitters, no conflicts (2 of 4 stars). 4 submissions from 4 submitters: Benign (3); Likely benign (1). Last evaluated 2025-12-25.

Conditions:
CD96-related disorder. Also called: CD96-related condition.

Allele frequency attached by ClinVar (database versions not stated): ExAC 0.00135; 1000 Genomes Project 30x 0.00312; 1000 Genomes Project 0.00359; gnomAD 0.00398 and 0.00427; TOPMed 0.00450; ESP Exome Variant Server 0.00477.
gnomAD v4.1: 1,188 of 1,598,502 alleles (0.074%); highest among the groups gnomAD compares: African/African-American, 1.4%; 14 homozygotes.

Submissions (9):

Labcorp Genetics (formerly Invitae), Labcorp
Classification: Benign. Last evaluated: 2025-12-25. Review status: criteria provided, single submitter. Criteria: Invitae Variant Classification Sherloc (09022015). Collection method: clinical testing. Allele origin: germline.

PreventionGenetics, part of Exact Sciences
Classification: Likely benign for CD96-related condition. Last evaluated: 2025-11-25. Review status: criteria provided, single submitter. Criteria: ACMG Guidelines, 2015. Collection method: clinical testing. Allele origin: germline.
Comment: This variant is classified as likely benign based on ACMG/AMP sequence variant interpretation guidelines (Richards et al. 2015 PMID: 25741868, with internal and published modifications).

CeGaT Center for Human Genetics Tuebingen
Classification: Benign. Last evaluated: 2025-11-01. Review status: criteria provided, single submitter. Criteria: CeGaT Center For Human Genetics Tuebingen Variant Classification Criteria Version 2. Collection method: clinical testing. Allele origin: germline. Affected: yes. Observed: 1 variant allele.
Comment: CD96: BS1, BS2

Breakthrough Genomics
Classification: Benign. Review status: criteria provided, single submitter. Criteria: ACMG Guidelines, 2015. Collection method: not provided. Allele origin: germline. Inheritance: Autosomal dominant inheritance. Affected: yes.

Dr. Peter K. Rogan Lab, Western University
No classification provided (evidence only). Condition: Clear cell carcinoma of kidney. Review status: no classification provided. Collection method: in vitro. Allele origin: not applicable. Functional consequence: skipped exon. Not counted in ClinVar's aggregate classification.

Dr. Peter K. Rogan Lab, Western University
No classification provided (evidence only). Condition: Uterine corpus endometrial carcinoma. Review status: no classification provided. Collection method: in vitro. Allele origin: not applicable. Functional consequence: skipped exon, retained intron. Not counted in ClinVar's aggregate classification.

Dr. Peter K. Rogan Lab, Western University
No classification provided (evidence only). Condition: Cervical cancer. Review status: no classification provided. Collection method: in vitro. Allele origin: not applicable. Functional consequence: skipped exon. Not counted in ClinVar's aggregate classification.

Dr. Peter K. Rogan Lab, Western University
No classification provided (evidence only). Condition: Cervical cancer. Review status: no classification provided. Collection method: in vitro. Allele origin: not applicable. Functional consequence: skipped exon. Not counted in ClinVar's aggregate classification.

Dr. Peter K. Rogan Lab, Western University
No classification provided (evidence only). Condition: Sarcoma. Review status: no classification provided. Collection method: in vitro. Allele origin: not applicable. Functional consequence: skipped exon. Not counted in ClinVar's aggregate classification.

NM_005816.5(CD96):c.1181-1G>A

Gene: CD96 (CD96 molecule; plus strand). Cytogenetic location: 3q13.2.
Variant type: single nucleotide variant.
Coding change: c.1181-1G>A on transcript NM_005816.5 (MANE Select); the canonical splice acceptor site of the intron before coding-DNA position 1181, G replaced by A.
Molecular consequence: splice acceptor variant.
Genome position (GRCh38, 1-based): chr3:111,623,753, G>A. VCF-style: chr3-111623753-G-A. GRCh37 (hg19) VCF-style: chr3-111342600-G-A.
Other names: c.1229-1G>A (NM_198196.3); c.1181-1G>A (NM_001410800.1).
Identifiers: ClinVar variation 342537 (VCV000342537.20), dbSNP rs77738677, ClinGen allele CA2534686.